The following is an entry in ClinVar:

ClinVar aggregate classification (germline): Pathogenic/Likely pathogenic. Review status: criteria provided, multiple submitters, no conflicts (2 of 4 stars). 10 submissions from 10 submitters: Pathogenic (8); Likely pathogenic (1). 1 of the submissions does not count toward it. Last evaluated 2026-03-11.

Conditions:
Hematuria, benign familial, 2 (BFH2). Identifiers: MedGen C5830421, MONDO:0958186, OMIM 620320.
Alport syndrome 3b, autosomal recessive. Identifiers: MedGen C5882699, MONDO:0957811, OMIM 620536.
Autosomal dominant Alport syndrome (ATS3A). Also called: ALPORT SYNDROME 3A, AUTOSOMAL DOMINANT; Alport syndrome dominant type; Renal failure and sensorineural hearing loss. Identifiers: Orphanet 63, Orphanet 88918, MedGen C5882663, MONDO:0007086, OMIM 104200.
COL4A3-related disorder. Also called: COL4A3-Related Disorders; COL4A3-related condition.
Hematuria, benign familial, 1 (BFH1). Also called: THIN MEMBRANE NEPHROPATHY. Identifiers: MedGen CN376803, MONDO:0007709, OMIM 141200.
Alport syndrome. Also called: Hemorrhagic familial nephritis; Hemorrhagic hereditary nephritis; Congenital hereditary hematuria. Identifiers: Orphanet 63, MedGen C1567741, MONDO:0018965.
Autosomal recessive Alport syndrome (ATS2). Also called: ALPORT SYNDROME 2, AUTOSOMAL RECESSIVE; Alport syndrome type 2; COL4A3-Related Nephropathy; COL4A4 Alport Syndrome and Thin Basement Membrane Nephropathy. Identifiers: Orphanet 63, Orphanet 88919, MedGen C4746745, MONDO:0008762, OMIM 203780.

Allele frequency attached by ClinVar (database versions not stated): ExAC below 0.00001; gnomAD exomes below 0.00001 and 0.00001; gnomAD 0.00004; ESP Exome Variant Server 0.00008.
gnomAD v4.1: 12 of 1,601,750 alleles (0.00075%); highest among the groups gnomAD compares: African/African-American, 0.008%; no homozygotes.

Submissions (10):

Genetics laboratory, Institute of Kidney Diseases & Research Centre Dr. H.L. Trivedi Institute Of Transplantation Sciences
Classification: Pathogenic for Alport syndrome 3b, autosomal recessive. Last evaluated: 2026-03-11. Review status: criteria provided, single submitter. Criteria: ACMG Guidelines, 2015. Collection method: clinical testing. Allele origin: germline. Inheritance: Autosomal dominant inheritance. Affected: yes. Observed: 1 variant allele, 1 heterozygote.
Comment: The COL4A3 variant c.3643C>T (p.Arg1215*) is classified as Pathogenic based on ACMG criteria. This nonsense variant introduces a premature stop codon predicted to result in truncation or nonsense-mediated decay of the COL4A3 protein, consistent with the established loss-of-function disease mechanism associated with COL4A3-related nephropathy.

Medical and Scientific Branch, Hong Kong Genome Institute
Classification: Pathogenic for Autosomal dominant Alport syndrome. Last evaluated: 2026-01-26. Review status: criteria provided, single submitter. Criteria: ACMG Guidelines, 2015. Collection method: clinical testing. Allele origin: unknown. Affected: yes.

Natera, Inc.
Classification: Pathogenic for Alport syndrome. Last evaluated: 2025-08-06. Review status: criteria provided, single submitter. Criteria: Natera Variant Classification Schema (03/2026). Collection method: clinical testing. Allele origin: germline.
Comment: The c.3643C>T variant in COL4A3 is a nonsense variant predicted to introduce a stop codon at amino acid 1215. This variant is expected to result in nonsense mediated decay, truncation, or a dysfunctional protein product. This variant is rare in the general population with a frequency below the threshold expected for the associated phenotype(s). This variant has been observed in one or more individuals affected with the associated recessive disease, as either homozygous or compound heterozygous with a second variant (PMID: 33772369, 14582039). Given the available evidence, this variant is classified as Pathogenic.

Fulgent Genetics
Classification: Pathogenic for Autosomal dominant Alport syndrome; Hematuria, benign familial, 2; Alport syndrome 3b, autosomal recessive. Last evaluated: 2024-03-23. Review status: criteria provided, single submitter. Criteria: ACMG Guidelines, 2015. Collection method: clinical testing. Allele origin: germline.

Women's Health and Genetics/Laboratory Corporation of America, LabCorp
Classification: Pathogenic for Autosomal recessive Alport syndrome. Last evaluated: 2022-09-30. Review status: criteria provided, single submitter. Criteria: LabCorp Variant Classification Summary - May 2015. Collection method: clinical testing. Allele origin: germline.
Comment: Variant summary: COL4A3 c.3643C>T (p.Arg1215X) results in a premature termination codon, predicted to cause a truncation of the encoded protein or absence of the protein due to nonsense mediated decay, which are commonly known mechanisms for disease. Truncations downstream of this position have been classified as pathogenic by our laboratory. The variant allele was found at a frequency of 9e-06 in 221912 control chromosomes. c.3643C>T has been reported in the literature in both homozygous and compound heterozygous individuals affected with Alport Syndrome, Autosomal Recessive (Vega_2003, Zhang_2021), as well as unaffected heterozygous carriers related to an affected patient (Furlano_2021). These data indicate that the variant is very likely to be associated with disease. To our knowledge, no experimental evidence demonstrating an impact on protein function has been reported. Two clinical diagnostic laboratories have submitted clinical-significance assessments for this variant to ClinVar after 2014 without evidence for independent evaluation. Both laboratories classified the variant as pathogenic. Based on the evidence outlined above, the variant was classified as pathogenic.

Labcorp Genetics (formerly Invitae), Labcorp
Classification: Pathogenic. Last evaluated: 2022-01-11. Review status: criteria provided, single submitter. Criteria: Invitae Variant Classification Sherloc (09022015). Collection method: clinical testing. Allele origin: germline.
Comment: For these reasons, this variant has been classified as Pathogenic. ClinVar contains an entry for this variant (Variation ID: 620143). This premature translational stop signal has been observed in individual(s) with Alport syndrome (PMID: 14582039). The frequency data for this variant in the population databases is considered unreliable, as metrics indicate poor data quality at this position in the gnomAD database. This sequence change creates a premature translational stop signal (p.Arg1215*) in the COL4A3 gene. It is expected to result in an absent or disrupted protein product. Loss-of-function variants in COL4A3 are known to be pathogenic (PMID: 8956999, 24854265, 26809805, 27281700).

GeneDx
Classification: Pathogenic. Last evaluated: 2021-07-15. Review status: criteria provided, single submitter. Criteria: GeneDx Variant Classification Process June 2021. Collection method: clinical testing. Allele origin: germline. Affected: yes.
Comment: Identified as heterozygous in asymptomatic adult family members of an individual with Alport syndrome, which is consistent with an autosomal recessive mode of inheritance for this variant (Furlano et al., 2021); Nonsense variant predicted to result in protein truncation or nonsense mediated decay in a gene for which loss-of-function is a known mechanism of disease; This variant is associated with the following publications: (PMID: 33838161, 31589614, 14582039, 27535533, 26594346)

Blueprint Genetics
Classification: Pathogenic for COL4A3-related disorders. Last evaluated: 2019-08-27. Review status: criteria provided, single submitter. Criteria: ACMG Guidelines, 2015. Collection method: clinical testing. Allele origin: germline. Affected: yes. Observed: 3 variant alleles.

Department of Nephrology, Rheumatology and Immunology, Shanghai Children's Hospital
Classification: Likely pathogenic for Hematuria, benign familial, 1. Last evaluated: 2019-05-28. Review status: criteria provided, single submitter. Criteria: ACMG Guidelines, 2015. Collection method: clinical testing. Allele origin: paternal. Affected: yes. Observed: 1 variant allele.
Comment: The variant c.3643C>T (NM_000091.5, exon 42) generates a premature stop codon at amino acid position 1215 (p.Arg1215Ter). Its maximum population allele frequency across the 1000 Genomes, ExAC and gnomAD databases is 0.000009124, and it meets ACMG criteria for Likely Pathogenic.

PreventionGenetics, part of Exact Sciences
Classification: Pathogenic for COL4A3-related condition. Last evaluated: 2024-07-02. Review status: no assertion criteria provided. Collection method: clinical testing. Allele origin: germline. Not counted in ClinVar's aggregate classification.
Comment: The COL4A3 c.3643C>T variant is predicted to result in premature protein termination (p.Arg1215*). This variant was reported in the homozygous state in two individuals with Alport syndrome (Table 2. Tazon Vega et al 2003. PubMed ID: 14582039; Table 2. Rajab A et al 2015. PubMed ID: 26594346). This variant is reported in 0.0046% of alleles in individuals of African descent in gnomAD. Nonsense variants in COL4A3 are expected to be pathogenic. This variant is interpreted as pathogenic for autosomal recessive COL4A3-related disorders.

Literature cited by the submitters: PubMed 33772369 (cited by Natera, Inc. and Women's Health and Genetics/Laboratory Corporation of America, LabCorp); PubMed 14582039 (cited by 3 submitters); PubMed 26594346 (cited by Women's Health and Genetics/Laboratory Corporation of America, LabCorp); PubMed 33838161 (cited by Women's Health and Genetics/Laboratory Corporation of America, LabCorp); PubMed 8956999 (cited by Labcorp Genetics (formerly Invitae), Labcorp); PubMed 24854265 (cited by Labcorp Genetics (formerly Invitae), Labcorp); PubMed 26809805 (cited by Labcorp Genetics (formerly Invitae), Labcorp); PubMed 27281700 (cited by Labcorp Genetics (formerly Invitae), Labcorp).

NM_000091.5(COL4A3):c.3643C>T (p.Arg1215Ter)

Genes: COL4A3 (collagen type IV alpha 3 chain; plus strand), MFF-DT (MFF divergent transcript; minus strand). Cytogenetic location: 2q36.3.
Variant type: single nucleotide variant.
Coding change: c.3643C>T on transcript NM_000091.5 (MANE Select); coding-DNA position 3643, C replaced by T.
Protein change: p.Arg1215Ter; replaces arginine 1215 with a stop codon.
Molecular consequence: nonsense.
Genome position (GRCh38, 1-based): chr2:227,297,751, C>T. VCF-style: chr2-227297751-C-T. GRCh37 (hg19) VCF-style: chr2-228162467-C-T.
Other names: short protein forms R1215*.
Identifiers: ClinVar variation 620143 (VCV000620143.19), dbSNP rs368434069, ClinGen allele CA2147314.